The following is an entry in ClinVar:

ClinVar aggregate classification (germline): Pathogenic/Likely pathogenic. Review status: criteria provided, multiple submitters, no conflicts (2 of 4 stars). 2 submissions from 2 submitters: Pathogenic (1); Likely pathogenic (1). Last evaluated 2025-10-06.

Allele frequency attached by ClinVar (database versions not stated): gnomAD exomes below 0.00001; ExAC 0.00001.
gnomAD v4.1: 15 of 1,613,512 alleles (0.00093%); highest among the groups gnomAD compares: Non-Finnish European, 0.0013%; no homozygotes.

Submissions (2):

Dasa
Classification: Likely pathogenic. Last evaluated: 2025-10-06. Review status: criteria provided, single submitter. Criteria: DASA Assertion Criteria. Collection method: clinical testing. Allele origin: germline.
Comment: NM_014028.4(OSTM1):c.796C>T (p.Arg266*) introduces a premature termination codon predicted to result in loss of normal protein function. Loss-of-function is an established mechanism of disease for this gene. The variant is present at low frequency in population datasets. Based on the available data, this variant is classified as likely pathogenic.

Labcorp Genetics (formerly Invitae), Labcorp
Classification: Pathogenic. Last evaluated: 2025-09-01. Review status: criteria provided, single submitter. Criteria: Invitae Variant Classification Sherloc (09022015). Collection method: clinical testing. Allele origin: germline.
Comment: This sequence change creates a premature translational stop signal (p.Arg266*) in the OSTM1 gene. It is expected to result in an absent or disrupted protein product. Loss-of-function variants in OSTM1 are known to be pathogenic (PMID: 12627228, 15108279, 16813530). This variant is present in population databases (rs781715787, gnomAD 0.0009%). This variant has not been reported in the literature in individuals affected with OSTM1-related conditions. ClinVar contains an entry for this variant (Variation ID: 632470). For these reasons, this variant has been classified as Pathogenic.

Literature cited by the submitters: PubMed 12627228 (cited by Labcorp Genetics (formerly Invitae), Labcorp); PubMed 15108279 (cited by Labcorp Genetics (formerly Invitae), Labcorp); PubMed 16813530 (cited by Labcorp Genetics (formerly Invitae), Labcorp).

NM_014028.4(OSTM1):c.796C>T (p.Arg266Ter)

Gene: OSTM1 (osteoclastogenesis associated transmembrane protein 1; minus strand). Cytogenetic location: 6q21.
Variant type: single nucleotide variant.
Coding change: c.796C>T on transcript NM_014028.4 (MANE Select); coding-DNA position 796, C replaced by T.
Protein change: p.Arg266Ter; replaces arginine 266 with a stop codon.
Molecular consequence: nonsense.
Genome position (GRCh38, 1-based): chr6:108,049,406, G>A on the plus strand (C>T on the coding strand, the complement: OSTM1 is on the minus strand). VCF-style: chr6-108049406-G-A. GRCh37 (hg19) VCF-style: chr6-108370610-G-A.
Other names: short protein forms R266*.
Identifiers: ClinVar variation 632470 (VCV000632470.8), dbSNP rs781715787, ClinGen allele CA3947957.
Genomic context (GRCh38, chr6:108,049,406, plus strand): 5'-TTACAGGCACTGTGTCACTGCAAGGGACTGAACAGTTGAAAGTTCGACTCCATAGTTTTC[G>A]AGTGATGTTCATCTGGAACAAGAGCAAACAATATCTTTCTATTTTATATTTAACTTGTCT-3'